The following is an entry in ClinVar:

NM_006230.4(POLD2):c.-59G>T

Gene: POLD2 (DNA polymerase delta 2, accessory subunit; minus strand). Cytogenetic location: 7p13.
Variant type: single nucleotide variant.
Coding change: c.-59G>T on transcript NM_006230.4 (MANE Select); 59 bases upstream of the start codon, G replaced by T.
Molecular consequence: 5 prime UTR variant.
Genome position (GRCh38, 1-based): chr7:44,123,513, C>A on the plus strand (G>T on the coding strand, the complement: POLD2 is on the minus strand). VCF-style: chr7-44123513-C-A. GRCh37 (hg19) VCF-style: chr7-44163112-C-A.
Other names: c.-232G>T (NM_001127218.3); c.-655G>T (NM_001256879.2).
Identifiers: ClinVar variation 4764610 (VCV004764610.1).
Genomic context (GRCh38, chr7:44,123,513, plus strand): 5'-GCCTCGCGGCCTGGAACTGCCACCCCCAGCTGACCCCGTTTCCCTGGACCCCACTCACCG[C>A]GCGGCGCGCCGCATCCCGCCAATCCCCGCGCGCCTGCCCCGCCCATCGCCGCAACTCGCT-3'

ClinVar aggregate classification (germline): Uncertain significance (1 of 4 stars; one submission).

gnomAD v4.1: 31 of 1,483,538 alleles (0.0021%); highest among the groups gnomAD compares: Non-Finnish European, 0.0026%; no homozygotes.

Submission:

Labcorp Genetics (formerly Invitae), Labcorp
Classification: Uncertain significance. Last evaluated: 2025-02-12. Review status: criteria provided, single submitter. Criteria: Invitae Variant Classification Sherloc (09022015). Collection method: clinical testing. Allele origin: germline.
Comment: This sequence change replaces arginine, which is basic and polar, with leucine, which is neutral and non-polar, at codon 16 of the POLD2 protein (p.Arg16Leu). This variant is not present in population databases (gnomAD no frequency). This variant has not been reported in the literature in individuals affected with POLD2-related conditions. An algorithm developed to predict the effect of missense changes on protein structure and function outputs the following: PolyPhen-2: "Not Available". The leucine amino acid residue is found in multiple mammalian species, which suggests that this missense change does not adversely affect protein function. In summary, the available evidence is currently insufficient to determine the role of this variant in disease. Therefore, it has been classified as a Variant of Uncertain Significance.